The following is an entry in ClinVar:

NM_015046.7(SETX):c.8031A>T (p.Leu2677Phe)

Gene: SETX (senataxin; minus strand). Cytogenetic location: 9q34.13.
Variant type: single nucleotide variant.
Coding change: c.8031A>T on transcript NM_015046.7 (MANE Select); coding-DNA position 8031, A replaced by T.
Protein change: p.Leu2677Phe; replaces leucine 2677 with phenylalanine.
Molecular consequence: missense variant.
Genome position (GRCh38, 1-based): chr9:132,264,242, T>A on the plus strand (A>T on the coding strand, the complement: SETX is on the minus strand). VCF-style: chr9-132264242-T-A. GRCh37 (hg19) VCF-style: chr9-135139629-T-A.
Other names: c.8031A>T, p.Leu2677Phe (NM_001351527.2); c.8118A>T, p.Leu2706Phe (NM_001351528.2); short protein forms L2677F, L2706F.
Identifiers: ClinVar variation 642088 (VCV000642088.9), dbSNP rs749325764, ClinGen allele CA375320662.

ClinVar aggregate classification (germline): Uncertain significance (1 of 4 stars; one submission).

Conditions:
Spinocerebellar ataxia, autosomal recessive, with axonal neuropathy 2 (SCAN2). Also called: Ataxia-ocular apraxia-2; ATAXIA-OCULOMOTOR APRAXIA 2; Ataxia with Oculomotor Apraxia; Ataxia with Oculomotor Apraxia Type 2. Identifiers: Orphanet 64753, MedGen C1853761, MONDO:0018996, OMIM 606002.
Amyotrophic lateral sclerosis type 4 (ALS4). Also called: AMYOTROPHIC LATERAL SCLEROSIS 4, JUVENILE; NEURONOPATHY, DISTAL HEREDITARY MOTOR, WITH PYRAMIDAL FEATURES. Identifiers: Orphanet 357043, MedGen C1865409, MONDO:0011223, OMIM 602433.

gnomAD v4.1: 2 of 1,614,144 alleles (0.00012%); highest among the groups gnomAD compares: Non-Finnish European, 0.00017%; no homozygotes.

Submission:

Labcorp Genetics (formerly Invitae), Labcorp
Classification: Uncertain significance for Amyotrophic lateral sclerosis type 4; Spinocerebellar ataxia, autosomal recessive, with axonal neuropathy 2. Last evaluated: 2018-11-30. Review status: criteria provided, single submitter. Criteria: Invitae Variant Classification Sherloc (09022015). Collection method: clinical testing. Allele origin: germline.
Comment: This variant is not present in population databases (ExAC no frequency). This sequence change replaces leucine with phenylalanine at codon 2677 of the SETX protein (p.Leu2677Phe). The leucine residue is weakly conserved and there is a small physicochemical difference between leucine and phenylalanine. This variant has not been reported in the literature in individuals with SETX-related disease. In summary, the available evidence is currently insufficient to determine the role of this variant in disease. Therefore, it has been classified as a Variant of Uncertain Significance. Algorithms developed to predict the effect of missense changes on protein structure and function are either unavailable or do not agree on the potential impact of this missense change (SIFT: "Tolerated"; PolyPhen-2: "Probably Damaging"; Align-GVGD: "Class C0").